The following is an entry in ClinVar:

NM_000059.4(BRCA2):c.3635del (p.Asn1212fs)

Gene: BRCA2 (BRCA2 DNA repair associated; plus strand). Cytogenetic location: 13q13.1.
Variant type: Deletion.
Coding change: c.3635del on transcript NM_000059.4 (MANE Select); coding-DNA position 3635, one base deleted (A; older notation c.3635delA).
Protein change: p.Asn1212fs; shifts the reading frame from asparagine 1212.
Molecular consequence: frameshift variant.
Genome position (GRCh38, 1-based): chr13:32,337,990, A deleted; the last of 4 consecutive A bases (chr13:32,337,987-32,337,990); deleting any one gives the same sequence. VCF-style (leftmost placement, unchanged base first): chr13-32337986-GA-G. GRCh37 (hg19) VCF-style: chr13-32912123-GA-G.
Other names: c.3635delA (NM_000059.3); short protein forms N1212fs.
Identifiers: ClinVar variation 625177 (VCV000625177.17), dbSNP rs1555283322, ClinGen allele CA913190908.

ClinVar aggregate classification (germline): Pathogenic. Review status: criteria provided, multiple submitters, no conflicts (2 of 4 stars). 3 submissions from 3 submitters: Pathogenic (2). 1 of the submissions does not count toward it. Last evaluated 2021-02-09.

Conditions:
Hereditary cancer-predisposing syndrome. Also called: Tumor predisposition; Neoplastic Syndromes, Hereditary; Hereditary Cancer Syndrome; Hereditary neoplastic syndrome. Identifiers: Orphanet 140162, MedGen C0027672, MeSH D009386, MONDO:0015356.
Hereditary breast ovarian cancer syndrome. Also called: Hereditary breast and ovarian cancer; Hereditary breast and ovarian cancer syndrome; Hereditary breast and ovarian cancer syndrome (HBOC); Breast and ovarian cancer; BRCA1- and BRCA2-Associated Hereditary Breast and Ovarian Cancer; Hereditary breast and/or ovarian cancer syndrome. Identifiers: Orphanet 145, MedGen C0677776, MeSH D061325, MONDO:0003582. Disease mechanism: loss of function.
Breast-ovarian cancer, familial, susceptibility to, 1 (BROVCA1). Also called: BRCA1 Hereditary Breast and Ovarian Cancer; OVARIAN CANCER, SUSCEPTIBILITY TO. Identifiers: Orphanet 145, MedGen C2676676, MONDO:0011450, OMIM 604370. Disease mechanism: loss of function.

Submissions (3):

Ambry Genetics
Classification: Pathogenic for Hereditary cancer-predisposing syndrome. Last evaluated: 2021-02-09. Review status: criteria provided, single submitter. Criteria: Ambry Variant Classification Scheme 2023. Collection method: clinical testing. Allele origin: germline.
Comment: The c.3635delA pathogenic mutation, located in coding exon 10 of the BRCA2 gene, results from a deletion of one nucleotide at nucleotide position 3635, causing a translational frameshift with a predicted alternate stop codon (p.N1212Mfs*16). In addition to the clinical data presented in the literature, this alteration is expected to result in loss of function by premature protein truncation or nonsense-mediated mRNA decay. As such, this alteration is interpreted as a disease-causing mutation.

Labcorp Genetics (formerly Invitae), Labcorp
Classification: Pathogenic for Hereditary breast ovarian cancer syndrome. Last evaluated: 2020-04-20. Review status: criteria provided, single submitter. Criteria: Invitae Variant Classification Sherloc (09022015). Collection method: clinical testing. Allele origin: germline.
Comment: This sequence change creates a premature translational stop signal (p.Asn1212Metfs*16) in the BRCA2 gene. It is expected to result in an absent or disrupted protein product. For these reasons, this variant has been classified as Pathogenic. Loss-of-function variants in BRCA2 are known to be pathogenic (PMID: 20104584). This variant has been observed in individual(s) with ovarian cancer (PMID: 29020660). ClinVar contains an entry for this variant (Variation ID: 625177). This variant is not present in population databases (ExAC no frequency).

UOSD Diagnostica Molecolare E Genomica, Irccs Policlinico Agostino Gemelli
Classification: Pathogenic for Breast-ovarian cancer, familial, susceptibility to, 1. Last evaluated: 2018-12-12. Review status: no assertion criteria provided. Collection method: clinical testing. Allele origin: germline. Inheritance: Autosomal dominant inheritance. Affected: yes. Observed: 1 heterozygote. Not counted in ClinVar's aggregate classification.

Literature cited by the submitters: PubMed 29020660 (cited by Ambry Genetics and Labcorp Genetics (formerly Invitae), Labcorp); PubMed 32438681 (cited by Ambry Genetics); PubMed 20104584 (cited by Labcorp Genetics (formerly Invitae), Labcorp).